The following is an entry in ClinVar:

NM_000059.4(BRCA2):c.3725G>C (p.Ser1242Thr)

Gene: BRCA2 (BRCA2 DNA repair associated; plus strand). Cytogenetic location: 13q13.1.
Variant type: single nucleotide variant.
Coding change: c.3725G>C on transcript NM_000059.4 (MANE Select); coding-DNA position 3725, G replaced by C.
Protein change: p.Ser1242Thr; replaces serine 1242 with threonine.
Molecular consequence: missense variant. On other transcripts: non-coding transcript variant (1), intron variant (2).
Genome position (GRCh38, 1-based): chr13:32,338,080, G>C. VCF-style: chr13-32338080-G-C. GRCh37 (hg19) VCF-style: chr13-32912217-G-C.
Other names: c.3725G>C, p.Ser1242Thr (NM_001406719.1, NM_001406720.1); c.1909+4693G>C (NM_001406721.1); c.425-6478G>C (NM_001406722.1); short protein forms S1242T.
Identifiers: ClinVar variation 2852159 (VCV002852159.4), dbSNP rs1555283378, ClinGen allele CA387778096.

ClinVar aggregate classification (germline): Uncertain significance. Review status: criteria provided, multiple submitters, no conflicts (2 of 4 stars). 2 submissions from 2 submitters: Uncertain significance (2). Last evaluated 2026-08-28.

Conditions:
Hereditary breast ovarian cancer syndrome. Also called: Hereditary breast and ovarian cancer syndrome; Hereditary breast and/or ovarian cancer syndrome; Hereditary breast and ovarian cancer syndrome (HBOC); BRCA1- and BRCA2-Associated Hereditary Breast and Ovarian Cancer; Hereditary breast and ovarian cancer; Breast and ovarian cancer. Identifiers: Orphanet 145, MedGen C0677776, MeSH D061325, MONDO:0003582. Disease mechanism: loss of function.
Hereditary cancer-predisposing syndrome. Also called: Hereditary Cancer Syndrome; Hereditary neoplastic syndrome; Neoplastic Syndromes, Hereditary; Tumor predisposition. Identifiers: Orphanet 140162, MedGen C0027672, MeSH D009386, MONDO:0015356.

Submissions (2):

Ambry Genetics
Classification: Uncertain significance for Hereditary cancer-predisposing syndrome. Last evaluated: 2026-08-28. Review status: criteria provided, single submitter. Criteria: Ambry Variant Classification Scheme 2023. Collection method: clinical testing. Allele origin: germline.
Comment: The p.S1242T variant (also known as c.3725G>C), located in coding exon 10 of the BRCA2 gene, results from a G to C substitution at nucleotide position 3725. The serine at codon 1242 is replaced by threonine, an amino acid with similar properties. This amino acid position is not well conserved in available vertebrate species. In addition, the in silico prediction for this alteration is inconclusive. Based on the available evidence, the clinical significance of this variant remains unclear.

Labcorp Genetics (formerly Invitae), Labcorp
Classification: Uncertain significance for Hereditary breast ovarian cancer syndrome. Last evaluated: 2023-04-05. Review status: criteria provided, single submitter. Criteria: Invitae Variant Classification Sherloc (09022015). Collection method: clinical testing. Allele origin: germline.
Comment: This sequence change replaces serine, which is neutral and polar, with threonine, which is neutral and polar, at codon 1242 of the BRCA2 protein (p.Ser1242Thr). In summary, the available evidence is currently insufficient to determine the role of this variant in disease. Therefore, it has been classified as a Variant of Uncertain Significance. Advanced modeling of protein sequence and biophysical properties (such as structural, functional, and spatial information, amino acid conservation, physicochemical variation, residue mobility, and thermodynamic stability) performed at Invitae indicates that this missense variant is not expected to disrupt BRCA2 protein function. This variant has not been reported in the literature in individuals affected with BRCA2-related conditions. This variant is not present in population databases (gnomAD no frequency).